The following is an entry in ClinVar:

ClinVar aggregate classification (germline): Likely pathogenic. Review status: reviewed by expert panel (3 of 4 stars). 6 submissions from 6 submitters: Likely pathogenic (1). 5 of the submissions do not count toward it. Last evaluated 2022-03-24.

Conditions:
Mitochondrial complex 5 (ATP synthase) deficiency, mitochondrial type 1. Also called: Mitochondrial complex v (atp synthase) deficiency, mitochondrial type 1. Identifiers: MedGen C3275684, MONDO:0027069, OMIM 500015.
Mitochondrial disease. Also called: Mitochondrial disorder; Mitochondrial disorders. Identifiers: Orphanet 68380, MedGen C0751651, MeSH D028361, MONDO:0044970.
Leber optic atrophy (LHON). Also called: Optic Atrophy, Hereditary, Leber; Leber hereditary optic neuropathy; Leber's disease; Leber's optic atrophy. Identifiers: Orphanet 104, MedGen C0917796, MONDO:0010788, OMIM 535000, HP:0001112.
Leigh syndrome (NULS). Also called: Leigh's necrotizing encephalopathy; Leigh's disease; Leigh's syndrome; LEIGH SYNDROME, NUCLEAR; Leigh Disease; Leigh Syndrome (mtDNA deletion). Identifiers: Orphanet 506, MedGen C2931891, MONDO:0009723, OMIM 256000.

Submissions (6):

ClinGen Mitochondrial Disease Nuclear and Mitochondrial  Variant Curation Expert Panel, ClinGen
Classification: Likely pathogenic for Mitochondrial disease. Last evaluated: 2022-03-24. Review status: reviewed by expert panel. Criteria: clingen mito disease acmg specifications v1-1. Collection method: curation. Allele origin: germline. Inheritance: Mitochondrial inheritance.
Comment: The m.9176T>G (p.L217R) variant in MT-ATP6 has been reported in 9 individuals with features of primary mitochondrial disease from 3 families. Affected individuals had variable ages of onset (first months of life to 3 years old, one case with onset in late teens). Features included Leigh syndrome, seizures, ataxia, muscle weakness, dystonia, developmental regression with illness, axonal neuropathy, optic atrophy, and retinal dystrophy. Some individuals had gradual progression including one with onset in childhood but surviving to at least 40s. Others have progressed to death within months. Brain imaging in some individuals was consistent with Leigh syndrome and others with diffuse brain atrophy. Elevated blood and CSF lactate were noted. Heteroplasmy levels were >95% in multiple tissues for those with onset in childhood, 70% for gradually-progressive phenotype, and healthy family members had 28-50% heteroplasmy (PS4_supporting; PMIDs: 11245730, 11731285; Khailany et al., 2020 with no PMID). There are no reports of de novo occurrence of this variant. This variant segregated with disease in multiple affected members in multiple families and several healthy family members had lower to undetectable levels of the variant (PP1_moderate; PMIDs: 11245730, 11731285; Khailany et al., 2020 with no PMID). This variant is absent in population databases after removing sequences from individuals with mitochondrial disease (one occurrence in GenBank sequences is from individual with mitochondrial disease; absent in gnomAD v3.1.2 and Helix databset; PM2_supporting). This variant is located at the same amino acid position as another well-known pathogenic variant, m.9176T>C (p.L217P) (PM5). Several studies in E. coli (PMID: 11119722), yeast (PMID: 19454486), and cybrids (PMID: 19160410) support the functional impact of this variant and independent studies showed independent deleterious effects of the variant (PS3_moderate). The computational predictor APOGEE gives a consensus rating of pathogenic with a score of 0.9 (Min=0, Max=1), which predicts a damaging effect on gene function (PP3). In summary, this variant meets criteria to be classified as likely pathogenic for primary mitochondrial disease inherited in a mitochondrial manner. This classification was approved by the NICHD/NINDS U24 Mitochondrial Disease Variant Curation Expert Panel on February 28, 2022. Mitochondrial DNA-specific ACMG/AMP criteria applied: PS3_moderate, PS4_supporting, PP1_moderate, PM2_supporting, PM5, PP3.

Institute of Medical Genetics and Applied Genomics, University Hospital Tübingen
Classification: Pathogenic. Last evaluated: 2021-06-17. Review status: criteria provided, single submitter. Criteria: ACMG Guidelines, 2015. Collection method: clinical testing. Allele origin: germline. Inheritance: Mitochondrial inheritance. Affected: yes. Not counted in ClinVar's aggregate classification.

Wong Mito Lab, Molecular and Human Genetics, Baylor College of Medicine
Classification: Pathogenic for Leigh syndrome. Last evaluated: 2019-10-17. Review status: criteria provided, single submitter. Criteria: Modified ACMG Guidelines (Unpublished). Collection method: clinical testing. Allele origin: germline. Not counted in ClinVar's aggregate classification.
Comment: The NC_012920.1:m.9176T>G (YP_003024031.1:p.Leu217Arg) variant in MTATP6 gene is interpretated to be a Pathogenic variant based on the modified ACMG guidelines (unpublished). This variant meets the following evidence codes: PS1, PM9, PM10, PP3, PP4, PP7

OMIM
Classification: Pathogenic for MITOCHONDRIAL COMPLEX V (ATP SYNTHASE) DEFICIENCY, MITOCHONDRIAL TYPE 1. Last evaluated: 2009-08-01. Review status: no assertion criteria provided. Collection method: literature only. Allele origin: germline. Not counted in ClinVar's aggregate classification.

GeneReviews
No classification provided. Condition: Leigh syndrome. Review status: no classification provided. Collection method: literature only. Allele origin: germline. Not counted in ClinVar's aggregate classification.

Genomics England Pilot Project, Genomics England
Classification: Likely pathogenic for Leber optic atrophy. Review status: no assertion criteria provided. Criteria: ACGS Guidelines, 2016. Collection method: clinical testing. Allele origin: germline. Affected: yes. Not counted in ClinVar's aggregate classification.

Literature cited by the submitters: PubMed 11119722 (cited by ClinGen Mitochondrial Disease Nuclear and Mitochondrial  Variant Curation Expert Panel, ClinGen and Wong Mito Lab, Molecular and Human Genetics, Baylor College of Medicine); PubMed 19454486 (cited by ClinGen Mitochondrial Disease Nuclear and Mitochondrial  Variant Curation Expert Panel, ClinGen and OMIM); PubMed 19160410 (cited by ClinGen Mitochondrial Disease Nuclear and Mitochondrial  Variant Curation Expert Panel, ClinGen); PubMed 11731285 (cited by Wong Mito Lab, Molecular and Human Genetics, Baylor College of Medicine); PubMed 11382202 (cited by Wong Mito Lab, Molecular and Human Genetics, Baylor College of Medicine); PubMed 11245730 (cited by OMIM); NCBI Bookshelf NBK1173 (cited by GeneReviews).

NC_012920.1(MT-ATP6):m.9176T>G

Gene: MT-ATP6 (mitochondrially encoded ATP synthase 6; plus strand).
Variant type: single nucleotide variant.
Genome position: chrM-9176-T-G.
Other names: MTATP6, 9176T-G, LEU217ARG; L217R.
Identifiers: ClinVar variation 9650 (VCV000009650.13), dbSNP rs199476135, ClinGen allele CA340929.